The following is an entry in ClinVar:

NM_002069.6(GNAI1):c.671G>A (p.Cys224Tyr)

Gene: GNAI1 (G protein subunit alpha i1; plus strand). Cytogenetic location: 7q21.11.
Variant type: single nucleotide variant.
Coding change: c.671G>A on transcript NM_002069.6 (MANE Select); coding-DNA position 671, G replaced by A.
Protein change: p.Cys224Tyr; replaces cysteine 224 with tyrosine.
Molecular consequence: missense variant.
Genome position (GRCh38, 1-based): chr7:80,211,049, G>A. VCF-style: chr7-80211049-G-A. GRCh37 (hg19) VCF-style: chr7-79840365-G-A.
Other names: c.515G>A, p.Cys172Tyr (NM_001256414.2); short protein forms C172Y, C224Y.
Identifiers: ClinVar variation 1203197 (VCV001203197.6), dbSNP rs1788864590, ClinGen allele CA368012728.

ClinVar aggregate classification (germline): Pathogenic/Likely pathogenic. Review status: criteria provided, multiple submitters, no conflicts (2 of 4 stars). 3 submissions from 3 submitters: Pathogenic (1); Likely pathogenic (1). 1 of the submissions does not count toward it. Last evaluated 2025-07-09.

Conditions:
Neurodevelopmental disorder with hypotonia, impaired speech, and behavioral abnormalities (NEDHISB). Also called: GNAI1-Related Neurodevelopmental Disorder. Identifiers: MedGen C5676975, MONDO:0859243, OMIM 619854.
GNAI1-related disorder.

Allele frequency attached by ClinVar (database versions not stated): gnomAD exomes below 0.00001; TOPMed below 0.00001.
gnomAD v4.1: 1 of 1,613,402 alleles (0.000062%); highest among the groups gnomAD compares: Non-Finnish European, 0.000085%; no homozygotes.

Submissions (3):

GeneDx
Classification: Pathogenic. Last evaluated: 2025-07-09. Review status: criteria provided, single submitter. Criteria: GeneDx Variant Classification Process June 2021. Collection method: clinical testing. Allele origin: germline. Affected: yes.
Comment: Not observed at significant frequency in large population cohorts (gnomAD); In silico analysis, which includes protein predictors and evolutionary conservation, supports a deleterious effect; This variant is associated with the following publications: (PMID: 33473207, 33057194, 37086723, 35982159)

Blueprint Genetics
Classification: Likely pathogenic for GNAI1-related disorders. Last evaluated: 2024-04-16. Review status: criteria provided, single submitter. Criteria: ACMG Guidelines, 2015. Collection method: clinical testing. Allele origin: germline. Affected: yes. Observed: 1 variant allele.

OMIM
Classification: Pathogenic for NEURODEVELOPMENTAL DISORDER WITH HYPOTONIA, IMPAIRED SPEECH, AND BEHAVIORAL ABNORMALITIES. Last evaluated: 2022-05-02. Review status: no assertion criteria provided. Collection method: literature only. Allele origin: germline. Not counted in ClinVar's aggregate classification.

Literature cited by the submitters: PubMed 33473207 (cited by OMIM).